The following is an entry in ClinVar:

ClinVar aggregate classification (germline): Benign/Likely benign. Review status: criteria provided, multiple submitters, no conflicts (2 of 4 stars). 5 submissions from 5 submitters: Benign (4); Likely benign (1). Last evaluated 2026-01-31.

Conditions:
Deficiency of malonyl-CoA decarboxylase. Also called: Malonic aciduria; MCD deficiency. Identifiers: Orphanet 943, MedGen C0342793, MONDO:0009556, OMIM 248360.

Allele frequency attached by ClinVar (database versions not stated): gnomAD exomes 0.00265 and 0.00670; ExAC 0.00834; gnomAD 0.02673 and 0.02854; 1000 Genomes Project 30x 0.03201; TOPMed 0.02977; ESP Exome Variant Server 0.03033; 1000 Genomes Project 0.03115.
gnomAD v4.1: 8,098 of 1,614,196 alleles (0.5%); highest among the groups gnomAD compares: African/African-American, 9.4%; 368 homozygotes.

Submissions (5):

Labcorp Genetics (formerly Invitae), Labcorp
Classification: Benign for Deficiency of malonyl-CoA decarboxylase. Last evaluated: 2026-01-31. Review status: criteria provided, single submitter. Criteria: Invitae Variant Classification Sherloc (09022015). Collection method: clinical testing. Allele origin: germline.

Fulgent Genetics
Classification: Likely benign for Deficiency of malonyl-CoA decarboxylase. Last evaluated: 2021-10-08. Review status: criteria provided, single submitter. Criteria: ACMG Guidelines, 2015. Collection method: clinical testing. Allele origin: unknown.

Illumina Laboratory Services, Illumina
Classification: Benign for Deficiency of malonyl-CoA decarboxylase. Last evaluated: 2018-01-13. Review status: criteria provided, single submitter. Criteria: ICSL Variant Classification Criteria 13 December 2019. Collection method: clinical testing. Allele origin: germline.
Comment: This variant was observed in the ICSL laboratory as part of a predisposition screen in an ostensibly healthy population. It had not been previously curated by ICSL or reported in the Human Gene Mutation Database (HGMD: prior to June 1st, 2018), and was therefore a candidate for classification through an automated scoring system. Utilizing variant allele frequency, disease prevalence and penetrance estimates, and inheritance mode, an automated score was calculated to assess if this variant is too frequent to cause the disease. Based on the score and internal cut-off values, a variant classified as benign is not then subjected to further curation. The score for this variant resulted in a classification of benign for this disease.

GeneDx
Classification: Benign. Last evaluated: 2013-12-31. Review status: criteria provided, single submitter. Criteria: GeneDx Variant Classification (06012015). Collection method: clinical testing. Allele origin: germline. Affected: yes.
Comment: This variant is considered likely benign or benign based on one or more of the following criteria: it is a conservative change, it occurs at a poorly conserved position in the protein, it is predicted to be benign by multiple in silico algorithms, and/or has population frequency not consistent with disease.

Breakthrough Genomics
Classification: Benign. Review status: criteria provided, single submitter. Criteria: ACMG Guidelines, 2015. Collection method: not provided. Allele origin: germline. Inheritance: Autosomal recessive inheritance. Affected: yes.

NM_012213.3(MLYCD):c.850A>G (p.Thr284Ala)

Genes: MLYCD (malonyl-CoA decarboxylase; plus strand), LOC126862422 (CDK7 strongly-dependent group 2 enhancer GRCh37_chr16:83945234-83946433; plus strand). Cytogenetic location: 16q23.3.
Variant type: single nucleotide variant.
Coding change: c.850A>G on transcript NM_012213.3 (MANE Select); coding-DNA position 850, A replaced by G.
Protein change: p.Thr284Ala; replaces threonine 284 with alanine.
Molecular consequence: missense variant.
Genome position (GRCh38, 1-based): chr16:83,912,269, A>G. VCF-style: chr16-83912269-A-G. GRCh37 (hg19) VCF-style: chr16-83945874-A-G.
Other names: p.T284A:ACT>GCT; short protein forms T284A.
Identifiers: ClinVar variation 138232 (VCV000138232.17), dbSNP rs62640903, ClinGen allele CA292106.